The following is an entry in ClinVar:

ClinVar aggregate classification (germline): Uncertain significance (1 of 4 stars; one submission).

Submission:

Labcorp Genetics (formerly Invitae), Labcorp
Classification: Uncertain significance. Last evaluated: 2022-03-09. Review status: criteria provided, single submitter. Criteria: Invitae Variant Classification Sherloc (09022015). Collection method: clinical testing. Allele origin: germline.
Comment: In summary, the available evidence is currently insufficient to determine the role of this variant in disease. Therefore, it has been classified as a Variant of Uncertain Significance. Algorithms developed to predict the effect of missense changes on protein structure and function (SIFT, PolyPhen-2, Align-GVGD) all suggest that this variant is likely to be disruptive. This variant has not been reported in the literature in individuals affected with TRAK1-related conditions. This variant is not present in population databases (gnomAD no frequency). This sequence change replaces glutamic acid, which is acidic and polar, with aspartic acid, which is acidic and polar, at codon 173 of the TRAK1 protein (p.Glu173Asp).

NM_001042646.3(TRAK1):c.519G>T (p.Glu173Asp)

Gene: TRAK1 (trafficking kinesin protein 1; plus strand). Cytogenetic location: 3p22.1.
Variant type: single nucleotide variant.
Coding change: c.519G>T on transcript NM_001042646.3 (MANE Select); coding-DNA position 519, G replaced by T.
Protein change: p.Glu173Asp; replaces glutamic acid 173 with aspartic acid.
Molecular consequence: missense variant. On other transcripts: non-coding transcript variant (1).
Genome position (GRCh38, 1-based): chr3:42,188,083, G>T. VCF-style: chr3-42188083-G-T. GRCh37 (hg19) VCF-style: chr3-42229575-G-T.
Other names: c.519G>T, p.Glu173Asp (NM_001265608.2, NM_001349246.2, NM_001349247.2); c.297G>T, p.Glu99Asp (NM_001265609.2, NM_001265610.1, NM_001349248.1 and 1 more transcripts); c.207G>T, p.Glu69Asp (NM_001349245.1); c.345G>T, p.Glu115Asp (NM_001410741.1, NM_014965.5); short protein forms E173D, E69D, E99D, E115D.
Identifiers: ClinVar variation 2107967 (VCV002107967.4), dbSNP rs1705161112, ClinGen allele CA352241115.